The following is an entry in ClinVar:

ClinVar aggregate classification (germline): Uncertain significance. Review status: criteria provided, multiple submitters, no conflicts (2 of 4 stars). 4 submissions from 4 submitters: Uncertain significance (3). 1 of the submissions does not count toward it. Last evaluated 2024-03-03.

Conditions:
Ataxia-telangiectasia syndrome (AT). Also called: Cerebello-oculocutaneous telangiectasia; Immunodeficiency with ataxia telangiectasia; Ataxia telangiectasia (A-T); Ataxia-telangiectasia, complementation group E; LOUIS-BAR SYNDROME; Ataxia-telangiectasia. Identifiers: Orphanet 100, MedGen C0004135, MONDO:0008840, OMIM 208900.
Hereditary cancer-predisposing syndrome. Also called: Hereditary neoplastic syndrome; Tumor predisposition; Hereditary Cancer Syndrome; Neoplastic Syndromes, Hereditary. Identifiers: Orphanet 140162, MedGen C0027672, MeSH D009386, MONDO:0015356.

Submissions (4):

GeneDx
Classification: Uncertain significance. Last evaluated: 2024-03-03. Review status: criteria provided, single submitter. Criteria: GeneDx Variant Classification Process June 2021. Collection method: clinical testing. Allele origin: germline. Affected: yes.
Comment: Not observed at significant frequency in large population cohorts (gnomAD); In silico analysis supports that this missense variant does not alter protein structure/function; Has not been previously published as pathogenic or benign to our knowledge

Ambry Genetics
Classification: Uncertain significance for Hereditary cancer-predisposing syndrome. Last evaluated: 2023-10-22. Review status: criteria provided, single submitter. Criteria: Ambry Variant Classification Scheme 2023. Collection method: clinical testing. Allele origin: germline.
Comment: The p.G1586R variant (also known as c.4756G>A), located in coding exon 30 of the ATM gene, results from a G to A substitution at nucleotide position 4756. The glycine at codon 1586 is replaced by arginine, an amino acid with dissimilar properties. This amino acid position is well conserved in available vertebrate species. In addition, the in silico prediction for this alteration is inconclusive. Since supporting evidence is limited at this time, the clinical significance of this alteration remains unclear.

Labcorp Genetics (formerly Invitae), Labcorp
Classification: Uncertain significance for Ataxia-telangiectasia syndrome. Last evaluated: 2022-09-19. Review status: criteria provided, single submitter. Criteria: Invitae Variant Classification Sherloc (09022015). Collection method: clinical testing. Allele origin: germline.
Comment: This sequence change replaces glycine, which is neutral and non-polar, with arginine, which is basic and polar, at codon 1586 of the ATM protein (p.Gly1586Arg). This variant is not present in population databases (gnomAD no frequency). This variant has not been reported in the literature in individuals affected with ATM-related conditions. ClinVar contains an entry for this variant (Variation ID: 580387). Algorithms developed to predict the effect of missense changes on protein structure and function are either unavailable or do not agree on the potential impact of this missense change (SIFT: "Deleterious"; PolyPhen-2: "Benign"; Align-GVGD: "Class C0"). In summary, the available evidence is currently insufficient to determine the role of this variant in disease. Therefore, it has been classified as a Variant of Uncertain Significance.

Natera, Inc.
Classification: Uncertain significance for Ataxia-telangiectasia. Last evaluated: 2021-02-08. Review status: no assertion criteria provided. Collection method: clinical testing. Allele origin: germline. Not counted in ClinVar's aggregate classification.

NM_000051.4(ATM):c.4756G>A (p.Gly1586Arg)

Gene: ATM (ATM serine/threonine kinase; plus strand). Cytogenetic location: 11q22.3.
Variant type: single nucleotide variant.
Coding change: c.4756G>A on transcript NM_000051.4 (MANE Select); coding-DNA position 4756, G replaced by A.
Protein change: p.Gly1586Arg; replaces glycine 1586 with arginine.
Molecular consequence: missense variant.
Genome position (GRCh38, 1-based): chr11:108,293,457, G>A. VCF-style: chr11-108293457-G-A. GRCh37 (hg19) VCF-style: chr11-108164184-G-A.
Other names: c.4756G>A, p.Gly1586Arg (NM_001351834.2); short protein forms G1586R.
Identifiers: ClinVar variation 580387 (VCV000580387.16), dbSNP rs1565463314, ClinGen allele CA382535137.